The following is an entry in ClinVar:

ClinVar aggregate classification (germline): Likely benign (0 of 4 stars; one submission).

Conditions:
MYB-related disorder. Also called: MYB-related condition.

Allele frequency attached by ClinVar (database versions not stated): gnomAD exomes 0.00017; ExAC 0.00060; gnomAD 0.00192; 1000 Genomes Project 30x 0.00219; 1000 Genomes Project 0.00220; TOPMed 0.00229; ESP Exome Variant Server 0.00254.

Submission:

PreventionGenetics, part of Exact Sciences
Classification: Likely benign for MYB-related condition. Last evaluated: 2019-08-06. Review status: no assertion criteria provided. Collection method: clinical testing. Allele origin: germline.
Comment: This variant is classified as likely benign based on ACMG/AMP sequence variant interpretation guidelines (Richards et al. 2015 PMID: 25741868, with internal and published modifications).

NM_001130173.2(MYB):c.1886A>C (p.Glu629Ala)

Gene: MYB (MYB proto-oncogene, transcription factor; plus strand). Cytogenetic location: 6q23.3.
Variant type: single nucleotide variant.
Coding change: c.1886A>C on transcript NM_001130173.2 (MANE Select); coding-DNA position 1886, A replaced by C.
Protein change: p.Glu629Ala; replaces glutamic acid 629 with alanine.
Molecular consequence: missense variant. On other transcripts: non-coding transcript variant (8).
Genome position (GRCh38, 1-based): chr6:135,200,351, A>C. VCF-style: chr6-135200351-A-C. GRCh37 (hg19) VCF-style: chr6-135521489-A-C.
Other names: c.1514A>C, p.Glu505Ala (NM_001130172.2); c.1877A>C, p.Glu626Ala (NM_001161656.2); c.1268A>C, p.Glu423Ala (NM_001161657.2); c.1838A>C, p.Glu613Ala (NM_001161658.2); c.1523A>C, p.Glu508Ala (NM_001161659.2, NM_005375.4); c.1418A>C, p.Glu473Ala (NM_001161660.2); short protein forms E423A, E473A, E505A, E508A, E613A, E626A, E629A.
Identifiers: ClinVar variation 3035642 (VCV003035642.2), dbSNP rs73555746, ClinGen allele CA4011681.